The following is an entry in ClinVar:

NM_000179.3(MSH6):c.782C>T (p.Ser261Phe)

Gene: MSH6 (mutS homolog 6; plus strand). Cytogenetic location: 2p16.3.
Variant type: single nucleotide variant.
Coding change: c.782C>T on transcript NM_000179.3 (MANE Select); coding-DNA position 782, C replaced by T.
Protein change: p.Ser261Phe; replaces serine 261 with phenylalanine.
Molecular consequence: missense variant. On other transcripts: 5 prime UTR variant (2).
Genome position (GRCh38, 1-based): chr2:47,798,765, C>T. VCF-style: chr2-47798765-C-T. GRCh37 (hg19) VCF-style: chr2-48025904-C-T.
Other names: c.392C>T, p.Ser131Phe (NM_001281492.2); c.-125C>T (NM_001281493.2, NM_001281494.2); short protein forms S261F, S131F.
Identifiers: ClinVar variation 234838 (VCV000234838.18), dbSNP rs876661250, ClinGen allele CA10577258.

ClinVar aggregate classification (germline): Uncertain significance. Review status: criteria provided, multiple submitters, no conflicts (2 of 4 stars). 6 submissions from 6 submitters: Uncertain significance (5). 1 of the submissions does not count toward it. Last evaluated 2025-11-16.

Conditions:
MSH6-related disorder. Also called: MSH6-Related disorders; MSH6-related condition.
Hereditary nonpolyposis colorectal neoplasms. Identifiers: MedGen C0009405, MeSH D003123.
Lynch syndrome. Identifiers: Orphanet 144, MedGen C4552100, MONDO:0005835. Disease mechanism: loss of function.
Hereditary cancer-predisposing syndrome. Also called: Hereditary neoplastic syndrome; Hereditary Cancer Syndrome; Neoplastic Syndromes, Hereditary; Tumor predisposition. Identifiers: Orphanet 140162, MedGen C0027672, MeSH D009386, MONDO:0015356.

gnomAD v4.1: 3 of 1,614,088 alleles (0.00019%); highest among the groups gnomAD compares: Non-Finnish European, 0.00025%; no homozygotes.

Submissions (6):

Labcorp Genetics (formerly Invitae), Labcorp
Classification: Uncertain significance for Hereditary nonpolyposis colorectal neoplasms. Last evaluated: 2025-11-16. Review status: criteria provided, single submitter. Criteria: Invitae Variant Classification Sherloc (09022015). Collection method: clinical testing. Allele origin: germline.
Comment: This sequence change replaces serine, which is neutral and polar, with phenylalanine, which is neutral and non-polar, at codon 261 of the MSH6 protein (p.Ser261Phe). This variant is not present in population databases (gnomAD no frequency). This variant has not been reported in the literature in individuals affected with MSH6-related conditions. ClinVar contains an entry for this variant (Variation ID: 234838). Invitae Evidence Modeling of protein sequence and biophysical properties (such as structural, functional, and spatial information, amino acid conservation, physicochemical variation, residue mobility, and thermodynamic stability) has been performed for this missense variant. However, the output from this modeling did not meet the statistical confidence thresholds required to predict the impact of this variant on MSH6 protein function. In summary, the available evidence is currently insufficient to determine the role of this variant in disease. Therefore, it has been classified as a Variant of Uncertain Significance.

Women's Health and Genetics/Laboratory Corporation of America, LabCorp
Classification: Uncertain significance. Last evaluated: 2025-03-24. Review status: criteria provided, single submitter. Criteria: LabCorp Variant Classification Summary - May 2015. Collection method: clinical testing. Allele origin: germline.
Comment: Variant summary: MSH6 c.782C>T (p.Ser261Phe) results in a non-conservative amino acid change in the encoded protein sequence. Five of five in-silico tools predict a damaging effect of the variant on protein function. The variant was absent in 251164 control chromosomes (gnomAD). The available data on variant occurrences in the general population are insufficient to allow any conclusion about variant significance. c.782C>T has been reported in the literature in individuals affected with breast cancer (Tung_2015). This report does not provide unequivocal conclusions about association of the variant with Lynch Syndrome. To our knowledge, no experimental evidence demonstrating an impact on protein function has been reported. The following publication has been ascertained in the context of this evaluation (PMID: 25186627). ClinVar contains an entry for this variant (Variation ID: 234838). Based on the evidence outlined above, the variant was classified as uncertain significance.

Ambry Genetics
Classification: Uncertain significance for Hereditary cancer-predisposing syndrome. Last evaluated: 2023-10-26. Review status: criteria provided, single submitter. Criteria: Ambry Variant Classification Scheme 2023. Collection method: clinical testing. Allele origin: germline.
Comment: The p.S261F variant (also known as c.782C>T), located in coding exon 4 of the MSH6 gene, results from a C to T substitution at nucleotide position 782. The serine at codon 261 is replaced by phenylalanine, an amino acid with highly dissimilar properties. This amino acid position is highly conserved in available vertebrate species. In addition, this alteration is predicted to be deleterious by in silico analysis. Since supporting evidence is limited at this time, the clinical significance of this alteration remains unclear.

All of Us Research Program, National Institutes of Health
Classification: Uncertain significance for Lynch syndrome. Last evaluated: 2023-08-15. Review status: criteria provided, single submitter. Criteria: ACMG Guidelines, 2015. Collection method: clinical testing. Allele origin: germline. Inheritance: Autosomal dominant inheritance. Observed: 1 variant allele, 1 heterozygote.
Comment: This study involves interpretation of variants in research participants for the purpose of population health screening. Participant phenotype was not available at the time of variant classification. Additional details can be found in publication PMID: 35346344, PMCID: PMC8962531

GeneDx
Classification: Uncertain significance. Last evaluated: 2023-04-17. Review status: criteria provided, single submitter. Criteria: GeneDx Variant Classification Process June 2021. Collection method: clinical testing. Allele origin: germline. Affected: yes.
Comment: Not observed at significant frequency in large population cohorts (gnomAD); In silico analysis supports that this missense variant has a deleterious effect on protein structure/function; Has not been previously published as pathogenic or benign to our knowledge; This variant is associated with the following publications: (PMID: 21035467)

PreventionGenetics, part of Exact Sciences
Classification: Uncertain significance for MSH6-related condition. Last evaluated: 2024-04-24. Review status: no assertion criteria provided. Collection method: clinical testing. Allele origin: germline. Not counted in ClinVar's aggregate classification.
Comment: The MSH6 c.782C>T variant is predicted to result in the amino acid substitution p.Ser261Phe. To our knowledge, this variant has not been reported in the literature or in a large population database, indicating this variant is rare. This variant is interpreted as uncertain significance in ClinVar. At this time, the clinical significance of this variant is uncertain due to the absence of conclusive functional and genetic evidence.

Literature cited by the submitters: PubMed 25186627 (cited by Women's Health and Genetics/Laboratory Corporation of America, LabCorp).